The following is an entry in ClinVar:

NM_001378969.1(KCND3):c.654C>G (p.Cys218Trp)

Gene: KCND3 (potassium voltage-gated channel subfamily D member 3; minus strand). Cytogenetic location: 1p13.2.
Variant type: single nucleotide variant.
Coding change: c.654C>G on transcript NM_001378969.1 (MANE Select); coding-DNA position 654, C replaced by G.
Protein change: p.Cys218Trp; replaces cysteine 218 with tryptophan.
Molecular consequence: missense variant.
Genome position (GRCh38, 1-based): chr1:111,982,073, G>C on the plus strand (C>G on the coding strand, the complement: KCND3 is on the minus strand). VCF-style: chr1-111982073-G-C. GRCh37 (hg19) VCF-style: chr1-112524695-G-C.
Other names: c.654C>G, p.Cys218Trp (NM_001378970.1, NM_004980.5, NM_172198.3); short protein forms C218W.
Identifiers: ClinVar variation 4090214 (VCV004090214.1).

ClinVar aggregate classification (germline): Uncertain significance (1 of 4 stars; one submission).

Conditions:
Cardiovascular phenotype. Identifiers: MedGen CN230736.

Submission:

Ambry Genetics
Classification: Uncertain significance for Cardiovascular phenotype. Last evaluated: 2025-07-09. Review status: criteria provided, single submitter. Criteria: Ambry Variant Classification Scheme 2023. Collection method: clinical testing. Allele origin: germline.
Comment: The p.C218W variant (also known as c.654C>G), located in coding exon 1 of the KCND3 gene, results from a C to G substitution at nucleotide position 654. The cysteine at codon 218 is replaced by tryptophan, an amino acid with highly dissimilar properties. This amino acid position is conserved. In addition, this alteration is predicted to be deleterious by in silico analysis. Based on the available evidence, the clinical significance of this variant remains unclear.